The following is an entry in ClinVar:

ClinVar aggregate classification (germline): Uncertain significance. Review status: criteria provided, multiple submitters, no conflicts (2 of 4 stars). 3 submissions from 3 submitters: Uncertain significance (3). Last evaluated 2025-10-02.

Conditions:
Epidermolysis bullosa simplex 5B, with muscular dystrophy (EBS5B). Also called: Epidermolysis bullosa simplex with muscular dystrophy; EPIDERMOLYSIS BULLOSA SIMPLEX AND LIMB-GIRDLE MUSCULAR DYSTROPHY. Identifiers: Orphanet 257, MedGen C2931072, MONDO:0009181, OMIM 226670.
Epidermolysis bullosa simplex 5C, with pyloric atresia (EBS5C). Also called: PLEC-Related Epidermolysis Bullosa with Pyloric Atresia; Epidermolysis bullosa simplex with pyloric atresia; PLEC1-Related Epidermolysis Bullosa with Pyloric Atresia. Identifiers: Orphanet 158684, MedGen C2677349, MONDO:0012807, OMIM 612138.
Epidermolysis bullosa simplex with nail dystrophy (EBS5D). Identifiers: MedGen C4225309, MONDO:0014661, OMIM 616487.
Epidermolysis bullosa simplex, Ogna type (EBS5A). Also called: Pidermolysis bullosa simplex 5A, Ogna type; EPIDERMOLYSIS BULLOSA SIMPLEX 5A, OGNA TYPE. Identifiers: Orphanet 79401, MedGen C0432317, MONDO:0007555, OMIM 131950.
Autosomal recessive limb-girdle muscular dystrophy type 2Q (LGMDR17). Also called: MUSCULAR DYSTROPHY, LIMB-GIRDLE, AUTOSOMAL RECESSIVE 17. Identifiers: Orphanet 254361, MedGen C3150989, MONDO:0013390, OMIM 613723.

Allele frequency attached by ClinVar (database versions not stated): gnomAD exomes 0.00002; TOPMed 0.00004; gnomAD 0.00005; ExAC 0.00006.
gnomAD v4.1: 29 of 1,591,130 alleles (0.0018%); highest among the groups gnomAD compares: Middle Eastern, 0.033%; no homozygotes.

Submissions (3):

Labcorp Genetics (formerly Invitae), Labcorp
Classification: Uncertain significance for Autosomal recessive limb-girdle muscular dystrophy type 2Q; Epidermolysis bullosa simplex, Ogna type; Epidermolysis bullosa simplex with nail dystrophy; Epidermolysis bullosa simplex 5C, with pyloric atresia; Epidermolysis bullosa simplex 5B, with muscular dystrophy. Last evaluated: 2025-10-02. Review status: criteria provided, single submitter. Criteria: Invitae Variant Classification Sherloc (09022015). Collection method: clinical testing. Allele origin: germline.
Comment: This sequence change replaces arginine, which is basic and polar, with cysteine, which is neutral and slightly polar, at codon 1443 of the PLEC protein (p.Arg1443Cys). This variant is present in population databases (rs782780429, gnomAD 0.02%). This variant has not been reported in the literature in individuals affected with PLEC-related conditions. ClinVar contains an entry for this variant (Variation ID: 2054700). Experimental studies and prediction algorithms are not available or were not evaluated, and the functional significance of this variant is currently unknown. In summary, the available evidence is currently insufficient to determine the role of this variant in disease. Therefore, it has been classified as a Variant of Uncertain Significance.

Revvity Omics, Revvity
Classification: Uncertain significance. Last evaluated: 2025-05-08. Review status: criteria provided, single submitter. Criteria: ACMG Guidelines, 2015. Collection method: clinical testing. Allele origin: germline.

CeGaT Center for Human Genetics Tuebingen
Classification: Uncertain significance. Last evaluated: 2023-08-01. Review status: criteria provided, single submitter. Criteria: CeGaT Center For Human Genetics Tuebingen Variant Classification Criteria Version 2. Collection method: clinical testing. Allele origin: germline. Affected: yes. Observed: 1 variant allele.
Comment: PLEC: PM2, BP4

NM_201384.3(PLEC):c.4246C>T (p.Arg1416Cys)

Gene: PLEC (plectin; minus strand). Cytogenetic location: 8q24.3.
Variant type: single nucleotide variant.
Coding change: c.4246C>T on transcript NM_201384.3 (MANE Select); coding-DNA position 4246, C replaced by T.
Protein change: p.Arg1416Cys; replaces arginine 1416 with cysteine.
Molecular consequence: missense variant.
Genome position (GRCh38, 1-based): chr8:143,925,683, G>A on the plus strand (C>T on the coding strand, the complement: PLEC is on the minus strand). VCF-style: chr8-143925683-G-A. GRCh37 (hg19) VCF-style: chr8-144999851-G-A.
Other names: c.4327C>T, p.Arg1443Cys (NM_000445.5); c.4204C>T, p.Arg1402Cys (NM_201378.4); c.4180C>T, p.Arg1394Cys (NM_201379.3); c.4657C>T, p.Arg1553Cys (NM_201380.4); c.4150C>T, p.Arg1384Cys (NM_201381.3); c.4246C>T, p.Arg1416Cys (NM_201382.4); c.4258C>T, p.Arg1420Cys (NM_201383.3); short protein forms R1443C, R1384C, R1402C, R1420C, R1553C, R1394C, R1416C.
Identifiers: ClinVar variation 2054700 (VCV002054700.29), dbSNP rs782780429, ClinGen allele CA4926722.
Genomic context (GRCh38, chr8:143,925,683, plus strand): 5'-TGGCCTGGATCTCCGCCTCCGAGCTCTGCCGCAGCTGCTGCAGCTCCTCCTGAATGCTGC[G>A]CTTCTGCTGCTGCGCGTCCACCGCCGCCTCCTCCCGCCGCACCACCTCCTCCTGCATGCG-3'
Protein context (NP_958786.1, residues 1406-1426): EAAVDAQQQK[Arg1416Cys]SIQEELQQLR